The following is an entry in ClinVar:

ClinVar aggregate classification (germline): Uncertain significance (1 of 4 stars; one submission).

Conditions:
ZFHX4-related disorder. Also called: ZFHX4-related condition.

Submission:

PreventionGenetics, part of Exact Sciences
Classification: Uncertain significance for ZFHX4-related condition. Last evaluated: 2026-05-06. Review status: criteria provided, single submitter. Criteria: ACMG Guidelines, 2015. Collection method: clinical testing. Allele origin: germline.
Comment: The ZFHX4 c.3397G>A variant is predicted to result in the amino acid substitution p.Glu1133Lys. To our knowledge, this variant has not been reported in the literature or in a large population database (gnomAD), indicating this variant is rare. At this time, the clinical significance of this variant is uncertain due to the absence of conclusive functional and genetic evidence.

NM_024721.5(ZFHX4):c.3397G>A (p.Glu1133Lys)

Gene: ZFHX4 (zinc finger homeobox 4; plus strand). Cytogenetic location: 8q21.13.
Variant type: single nucleotide variant.
Coding change: c.3397G>A on transcript NM_024721.5 (MANE Select); coding-DNA position 3397, G replaced by A.
Protein change: p.Glu1133Lys; replaces glutamic acid 1133 with lysine.
Molecular consequence: missense variant.
Genome position (GRCh38, 1-based): chr8:76,842,657, G>A. VCF-style: chr8-76842657-G-A. GRCh37 (hg19) VCF-style: chr8-77754893-G-A.
Other names: c.3319G>A, p.Glu1107Lys (NM_001410934.1); short protein forms E1107K, E1133K.
Identifiers: ClinVar variation 4987302 (VCV004987302.1).